The following is an entry in ClinVar:

ClinVar aggregate classification (germline): Uncertain significance. Review status: criteria provided, multiple submitters, no conflicts (2 of 4 stars). 3 submissions from 3 submitters: Uncertain significance (3). Last evaluated 2025-08-01.

Conditions:
Brugada syndrome. Also called: Sudden unexplained nocturnal death syndrome; Sudden unexpected nocturnal death syndrome; Sudden Unexplained Nocturnal Death Syndrome (SUNDS); Sudden Unexplained Death Syndrome. Identifiers: Orphanet 130, MedGen C1142166, MONDO:0015263.
Cardiovascular phenotype. Identifiers: MedGen CN230736.

Allele frequency attached by ClinVar (database versions not stated): gnomAD 0.00001; TOPMed 0.00002.
gnomAD v4.1: 37 of 1,613,682 alleles (0.0023%); highest among the groups gnomAD compares: South Asian, 0.025%; no homozygotes.

Submissions (3):

Ambry Genetics
Classification: Uncertain significance for Cardiovascular phenotype. Last evaluated: 2025-08-01. Review status: criteria provided, single submitter. Criteria: Ambry Variant Classification Scheme 2023. Collection method: clinical testing. Allele origin: germline.

Labcorp Genetics (formerly Invitae), Labcorp
Classification: Uncertain significance for Brugada syndrome. Last evaluated: 2024-08-04. Review status: criteria provided, single submitter. Criteria: Invitae Variant Classification Sherloc (09022015). Collection method: clinical testing. Allele origin: germline.
Comment: This sequence change replaces arginine, which is basic and polar, with tryptophan, which is neutral and slightly polar, at codon 108 of the SCN10A protein (p.Arg108Trp). This variant is present in population databases (no rsID available, gnomAD 0.01%). This variant has not been reported in the literature in individuals affected with SCN10A-related conditions. ClinVar contains an entry for this variant (Variation ID: 429678). Advanced modeling of protein sequence and biophysical properties (such as structural, functional, and spatial information, amino acid conservation, physicochemical variation, residue mobility, and thermodynamic stability) performed at Invitae indicates that this missense variant is not expected to disrupt SCN10A protein function with a negative predictive value of 80%. In summary, the available evidence is currently insufficient to determine the role of this variant in disease. Therefore, it has been classified as a Variant of Uncertain Significance.

GeneDx
Classification: Uncertain significance. Last evaluated: 2020-01-28. Review status: criteria provided, single submitter. Criteria: GeneDx Variant Classification Process June 2021. Collection method: clinical testing. Allele origin: germline. Affected: yes.
Comment: Has not been previously published as pathogenic or benign to our knowledge; Not observed at a significant frequency in large population cohorts (Lek et al., 2016); In silico analysis, which includes protein predictors and evolutionary conservation, supports that this variant does not alter protein structure/function

NM_006514.4(SCN10A):c.322C>T (p.Arg108Trp)

Gene: SCN10A (sodium voltage-gated channel alpha subunit 10; minus strand). Cytogenetic location: 3p22.2.
Variant type: single nucleotide variant.
Coding change: c.322C>T on transcript NM_006514.4 (MANE Select); coding-DNA position 322, C replaced by T.
Protein change: p.Arg108Trp; replaces arginine 108 with tryptophan.
Molecular consequence: missense variant.
Genome position (GRCh38, 1-based): chr3:38,792,117, G>A on the plus strand (C>T on the coding strand, the complement: SCN10A is on the minus strand). VCF-style: chr3-38792117-G-A. GRCh37 (hg19) VCF-style: chr3-38833608-G-A.
Other names: c.322C>T, p.Arg108Trp (NM_001293306.2, NM_001293307.2); short protein forms R108W.
Identifiers: ClinVar variation 429678 (VCV000429678.8), dbSNP rs1131691525, ClinGen allele CA352161136.